The following is an entry in ClinVar:

ClinVar aggregate classification (germline): Likely benign. Review status: criteria provided, multiple submitters, no conflicts (2 of 4 stars). 3 submissions from 3 submitters: Likely benign (3). Last evaluated 2026-07-01.

Allele frequency attached by ClinVar (database versions not stated): ESP Exome Variant Server 0.00008; gnomAD 0.00020 and 0.00049; TOPMed 0.00023; gnomAD exomes 0.00066 and 0.00120; ExAC 0.00129; 1000 Genomes Project 30x 0.00172; 1000 Genomes Project 0.00200.
gnomAD v4.1: 1,043 of 1,602,142 alleles (0.065%); highest among the groups gnomAD compares: South Asian, 0.78%; 8 homozygotes.

Submissions (5):

CeGaT Center for Human Genetics Tuebingen
Classification: Likely benign. Last evaluated: 2026-07-01. Review status: criteria provided, single submitter. Criteria: CeGaT Center For Human Genetics Tuebingen Variant Classification Criteria Version 2. Collection method: clinical testing. Allele origin: germline. Affected: yes. Observed: 7 variant alleles.
Comment: ELP2: BP4, BS2

Labcorp Genetics (formerly Invitae), Labcorp
Classification: Likely benign. Last evaluated: 2018-06-08. Review status: criteria provided, single submitter. Criteria: Invitae Variant Classification Sherloc (09022015). Collection method: clinical testing. Allele origin: germline.

Breakthrough Genomics
Classification: Likely benign. Review status: criteria provided, single submitter. Criteria: ACMG Guidelines, 2015. Collection method: not provided. Allele origin: germline. Inheritance: Autosomal recessive inheritance. Affected: yes.

Dr. Peter K. Rogan Lab, Western University
No classification provided (evidence only). Condition: Thyroid cancer, nonmedullary, 1. Review status: no classification provided. Collection method: in vitro. Allele origin: not applicable. Functional consequence: retained intron. Not counted in ClinVar's aggregate classification.

Dr. Peter K. Rogan Lab, Western University
No classification provided (evidence only). Condition: Ovarian serous cystadenocarcinoma. Review status: no classification provided. Collection method: in vitro. Allele origin: not applicable. Functional consequence: retained intron. Not counted in ClinVar's aggregate classification.

NM_018255.4(ELP2):c.2005A>G (p.Ser669Gly)

Gene: ELP2 (elongator acetyltransferase complex subunit 2; plus strand). Cytogenetic location: 18q12.2.
Variant type: single nucleotide variant.
Coding change: c.2005A>G on transcript NM_018255.4 (MANE Select); coding-DNA position 2005, A replaced by G.
Protein change: p.Ser669Gly; replaces serine 669 with glycine.
Molecular consequence: missense variant. On other transcripts: non-coding transcript variant (1).
Genome position (GRCh38, 1-based): chr18:36,167,151, A>G. VCF-style: chr18-36167151-A-G. GRCh37 (hg19) VCF-style: chr18-33747114-A-G.
Other names: NC_000018.9:g.33747114A>G; c.2200A>G, p.Ser734Gly (NM_001242875.3); c.1990A>G, p.Ser664Gly (NM_001242876.3); c.1927A>G, p.Ser643Gly (NM_001242877.3); c.1795A>G, p.Ser599Gly (NM_001242878.3, NM_001242879.3); c.1873A>G, p.Ser625Gly (NM_001324465.2); c.2122A>G, p.Ser708Gly (NM_001324466.2); c.1855A>G, p.Ser619Gly (NM_001324467.2); and 1 more; short protein forms S619G, S643G, S664G, S669G, S734G, S520G, S599G, S625G.
Identifiers: ClinVar variation 721563 (VCV000721563.39), dbSNP rs151280482, ClinGen allele CA8940135.